The following is an entry in ClinVar:

ClinVar aggregate classification (germline): Likely benign (1 of 4 stars; one submission).

Conditions:
PTPRQ-related disorder. Also called: PTPRQ-related condition.

Allele frequency attached by ClinVar (database versions not stated): gnomAD exomes below 0.00001.
gnomAD v4.1: 3 of 1,551,610 alleles (0.00019%); highest among the groups gnomAD compares: Non-Finnish European, 0.00017%; no homozygotes.

Submission:

PreventionGenetics, part of Exact Sciences
Classification: Likely benign for PTPRQ-related condition. Last evaluated: 2023-06-08. Review status: criteria provided, single submitter. Criteria: ACMG Guidelines, 2015. Collection method: clinical testing. Allele origin: germline.
Comment: This variant is classified as likely benign based on ACMG/AMP sequence variant interpretation guidelines (Richards et al. 2015 PMID: 25741868, with internal and published modifications).

NM_001145026.2(PTPRQ):c.1098A>G (p.Pro366=)

Gene: PTPRQ (protein tyrosine phosphatase receptor type Q; plus strand). Cytogenetic location: 12q21.31.
Variant type: single nucleotide variant.
Coding change: c.1098A>G on transcript NM_001145026.2 (MANE Select); coding-DNA position 1098, A replaced by G.
Protein change: p.Pro366=; no amino-acid change (proline 366 retained).
Molecular consequence: synonymous variant.
Genome position (GRCh38, 1-based): chr12:80,472,163, A>G. VCF-style: chr12-80472163-A-G. GRCh37 (hg19) VCF-style: chr12-80865942-A-G.
Identifiers: ClinVar variation 3032304 (VCV003032304.1), dbSNP rs2541539787, ClinGen allele CA480814739.